The following is an entry in ClinVar:

NM_000214.3(JAG1):c.848del (p.Leu283fs)

Gene: JAG1 (jagged canonical Notch ligand 1; minus strand). Cytogenetic location: 20p12.2.
Variant type: Deletion.
Coding change: c.848del on transcript NM_000214.3 (MANE Select); coding-DNA position 848, one base deleted (T; older notation c.848delT).
Protein change: p.Leu283fs; shifts the reading frame from leucine 283.
Molecular consequence: frameshift variant.
Genome position (GRCh38, 1-based): chr20:10,652,506, A deleted on the plus strand (T on the coding strand, the reverse complement: JAG1 is on the minus strand). VCF-style (leftmost placement, unchanged base first): chr20-10652505-GA-G. GRCh37 (hg19) VCF-style: chr20-10633153-GA-G.
Other names: short protein forms L283fs.
Identifiers: ClinVar variation 4992787 (VCV004992787.1).

ClinVar aggregate classification (germline): Pathogenic (1 of 4 stars; one submission).

Conditions:
JAG1-related disorder. Also called: JAG1-related condition; JAG1-related disorders.

Submission:

PreventionGenetics, part of Exact Sciences
Classification: Pathogenic for JAG1-related condition. Last evaluated: 2026-03-25. Review status: criteria provided, single submitter. Criteria: ACMG Guidelines, 2015. Collection method: clinical testing. Allele origin: germline.
Comment: The JAG1 c.848delT variant is predicted to result in a frameshift and premature protein termination (p.Leu283Profs*129). To our knowledge, this variant has not been reported in the literature or in a large population database (gnomAD), indicating this variant is rare. Frameshift variants in JAG1 are expected to be pathogenic. This variant is interpreted as pathogenic.